The following is an entry in ClinVar:

ClinVar aggregate classification (germline): Uncertain significance (1 of 4 stars; one submission).

Allele frequency attached by ClinVar (database versions not stated): ExAC 0.00001.
gnomAD v4.1: 5 of 1,613,030 alleles (0.00031%); highest among the groups gnomAD compares: Admixed American, 0.0017%; no homozygotes.

Submission:

Labcorp Genetics (formerly Invitae), Labcorp
Classification: Uncertain significance. Last evaluated: 2022-08-24. Review status: criteria provided, single submitter. Criteria: Invitae Variant Classification Sherloc (09022015). Collection method: clinical testing. Allele origin: germline.
Comment: This variant has not been reported in the literature in individuals affected with AUTS2-related conditions. This variant is present in population databases (rs763979959, gnomAD 0.003%). This sequence change replaces proline, which is neutral and non-polar, with leucine, which is neutral and non-polar, at codon 1016 of the AUTS2 protein (p.Pro1016Leu). In summary, the available evidence is currently insufficient to determine the role of this variant in disease. Therefore, it has been classified as a Variant of Uncertain Significance. Algorithms developed to predict the effect of missense changes on protein structure and function are either unavailable or do not agree on the potential impact of this missense change (SIFT: "Deleterious"; PolyPhen-2: "Benign"; Align-GVGD: "Class C0").

NM_015570.4(AUTS2):c.3047C>T (p.Pro1016Leu)

Gene: AUTS2 (activator of transcription and developmental regulator AUTS2; plus strand). Cytogenetic location: 7q11.22.
Variant type: single nucleotide variant.
Coding change: c.3047C>T on transcript NM_015570.4 (MANE Select); coding-DNA position 3047, C replaced by T.
Protein change: p.Pro1016Leu; replaces proline 1016 with leucine.
Molecular consequence: missense variant.
Genome position (GRCh38, 1-based): chr7:70,790,263, C>T. VCF-style: chr7-70790263-C-T. GRCh37 (hg19) VCF-style: chr7-70255249-C-T.
Other names: c.2975C>T, p.Pro992Leu (NM_001127231.3); short protein forms P992L, P1016L.
Identifiers: ClinVar variation 2202312 (VCV002202312.4), dbSNP rs763979959, ClinGen allele CA4281255.